The following is an entry in ClinVar:

NM_198428.3(BBS9):c.1789+5G>T

Gene: BBS9 (Bardet-Biedl syndrome 9; plus strand). Cytogenetic location: 7p14.3.
Variant type: single nucleotide variant.
Coding change: c.1789+5G>T on transcript NM_198428.3 (MANE Select); 5 bases into the intron after coding-DNA position 1789, G replaced by T.
Molecular consequence: intron variant.
Genome position (GRCh38, 1-based): chr7:33,367,867, G>T. VCF-style: chr7-33367867-G-T. GRCh37 (hg19) VCF-style: chr7-33407479-G-T.
Other names: c.1789+5G>T (NM_001348036.1, NM_001362679.1, NM_001348041.4 and 1 more transcripts); c.1516+5G>T (NM_001348038.3); c.1411+5G>T (NM_001348039.3); c.1774+5G>T (NM_001033605.2); c.1684+5G>T (NM_001033604.2); c.1669+5G>T (NM_014451.4, NM_001348040.3); c.1423+5G>T (NM_001348037.3, NM_001348045.3, NM_001348046.3); c.1654+5G>T (NM_001348042.3); and 1 more.
Identifiers: ClinVar variation 1516124 (VCV001516124.6), dbSNP rs2128714437, ClinGen allele CA2573142111.
Genomic context (GRCh38, chr7:33,367,867, plus strand): 5'-GGGTTTTCACTTCTTAGGAGGTGCTCGAATTACTGTTCTTGCTTCCAAAACTTCTCGTAA[G>T]TAAAACCATGTTATCATTGCTTTTTAAATTTTTTTCTAAGGATACCACATCACAGAGGAT-3'

ClinVar aggregate classification (germline): Uncertain significance (1 of 4 stars; one submission).

Conditions:
Bardet-Biedl syndrome (BBS). Identifiers: Orphanet 110, MedGen C0752166, MONDO:0015229.

Submission:

Labcorp Genetics (formerly Invitae), Labcorp
Classification: Uncertain significance for Bardet-Biedl syndrome. Last evaluated: 2022-01-13. Review status: criteria provided, single submitter. Criteria: Invitae Variant Classification Sherloc (09022015). Collection method: clinical testing. Allele origin: germline.
Comment: In summary, the available evidence is currently insufficient to determine the role of this variant in disease. Therefore, it has been classified as a Variant of Uncertain Significance. Variants that disrupt the consensus splice site are a relatively common cause of aberrant splicing (PMID: 17576681, 9536098). Algorithms developed to predict the effect of sequence changes on RNA splicing suggest that this variant may disrupt the consensus splice site. This variant has not been reported in the literature in individuals affected with BBS9-related conditions. This variant is not present in population databases (gnomAD no frequency). This sequence change falls in intron 17 of the BBS9 gene. It does not directly change the encoded amino acid sequence of the BBS9 protein. It affects a nucleotide within the consensus splice site.

Literature cited by the submitters: PubMed 17576681; PubMed 9536098.